The following is an entry in ClinVar:

NM_005502.4(ABCA1):c.4440G>T (p.Gly1480=)

Gene: ABCA1 (ATP binding cassette subfamily A member 1; minus strand). Cytogenetic location: 9q31.1.
Variant type: single nucleotide variant.
Coding change: c.4440G>T on transcript NM_005502.4 (MANE Select); coding-DNA position 4440, G replaced by T.
Protein change: p.Gly1480=; no amino-acid change (glycine 1480 retained).
Molecular consequence: synonymous variant.
Genome position (GRCh38, 1-based): chr9:104,806,265, C>A on the plus strand (G>T on the coding strand, the complement: ABCA1 is on the minus strand). VCF-style: chr9-104806265-C-A. GRCh37 (hg19) VCF-style: chr9-107568546-C-A.
Identifiers: ClinVar variation 364401 (VCV000364401.21), dbSNP rs41494750, ClinGen allele CA5168150.

ClinVar aggregate classification (germline): Benign. Review status: criteria provided, multiple submitters, no conflicts (2 of 4 stars). 6 submissions from 5 submitters: Benign (6). Last evaluated 2026-02-03.

Conditions:
Cardiovascular phenotype. Identifiers: MedGen CN230736.
Hypoalphalipoproteinemia, primary, 1. Identifiers: Orphanet 425, MedGen C5231558, MONDO:0011393, OMIM 604091.
Tangier disease (TGD). Also called: HIGH DENSITY LIPOPROTEIN DEFICIENCY, TANGIER TYPE; HIGH DENSITY LIPOPROTEIN DEFICIENCY, TYPE 1; Cholesterol thesaurismosis. Identifiers: Orphanet 31150, MedGen C0039292, MONDO:0008783, OMIM 205400.

Allele frequency attached by ClinVar (database versions not stated): gnomAD exomes 0.00209 and 0.00582; gnomAD 0.02391; 1000 Genomes Project 0.02476; ESP Exome Variant Server 0.02568; TOPMed 0.02592; 1000 Genomes Project 30x 0.02701.
gnomAD v4.1: 6,561 of 1,613,498 alleles (0.41%); highest among the groups gnomAD compares: African/African-American, 7.5%; 199 homozygotes.

Submissions (13):

Labcorp Genetics (formerly Invitae), Labcorp
Classification: Benign. Last evaluated: 2026-02-03. Review status: criteria provided, single submitter. Criteria: Invitae Variant Classification Sherloc (09022015). Collection method: clinical testing. Allele origin: germline.

Ambry Genetics
Classification: Benign for Cardiovascular phenotype. Last evaluated: 2020-09-16. Review status: criteria provided, single submitter. Criteria: Ambry Variant Classification Scheme 2023. Collection method: clinical testing. Allele origin: germline.

GeneDx
Classification: Benign. Last evaluated: 2019-10-01. Review status: criteria provided, single submitter. Criteria: GeneDx Variant Classification Process June 2021. Collection method: clinical testing. Allele origin: germline. Affected: yes.

Illumina Laboratory Services, Illumina
Classification: Benign for Hypoalphalipoproteinemia, primary, 1. Last evaluated: 2018-01-13. Review status: criteria provided, single submitter. Criteria: ICSL Variant Classification Criteria 13 December 2019. Collection method: clinical testing. Allele origin: germline.
Comment: This variant was observed in the ICSL laboratory as part of a predisposition screen in an ostensibly healthy population. It had not been previously curated by ICSL or reported in the Human Gene Mutation Database (HGMD: prior to June 1st, 2018), and was therefore a candidate for classification through an automated scoring system. Utilizing variant allele frequency, disease prevalence and penetrance estimates, and inheritance mode, an automated score was calculated to assess if this variant is too frequent to cause the disease. Based on the score and internal cut-off values, a variant classified as benign is not then subjected to further curation. The score for this variant resulted in a classification of benign for this disease.

Illumina Laboratory Services, Illumina
Classification: Benign for Tangier disease. Last evaluated: 2018-01-13. Review status: criteria provided, single submitter. Criteria: ICSL Variant Classification Criteria 13 December 2019. Collection method: clinical testing. Allele origin: germline.
Comment: the same text as in the submission from Illumina Laboratory Services, Illumina above.

Breakthrough Genomics
Classification: Benign. Review status: criteria provided, single submitter. Criteria: ACMG Guidelines, 2015. Collection method: not provided. Allele origin: germline. Inheritance: Autosomal recessive inheritance. Affected: yes.

Dr. Peter K. Rogan Lab, Western University
No classification provided (evidence only). Condition: Lung cancer. Review status: no classification provided. Collection method: in vitro. Allele origin: not applicable. Functional consequence: retained intron. Not counted in ClinVar's aggregate classification.

Dr. Peter K. Rogan Lab, Western University
No classification provided (evidence only). Condition: Lung cancer. Review status: no classification provided. Collection method: in vitro. Allele origin: not applicable. Functional consequence: retained intron. Not counted in ClinVar's aggregate classification.

Dr. Peter K. Rogan Lab, Western University
No classification provided (evidence only). Condition: Uterine corpus endometrial carcinoma. Review status: no classification provided. Collection method: in vitro. Allele origin: not applicable. Functional consequence: retained intron. Not counted in ClinVar's aggregate classification.

Dr. Peter K. Rogan Lab, Western University
No classification provided (evidence only). Condition: Uterine corpus endometrial carcinoma. Review status: no classification provided. Collection method: in vitro. Allele origin: not applicable. Functional consequence: retained intron. Not counted in ClinVar's aggregate classification.

Dr. Peter K. Rogan Lab, Western University
No classification provided (evidence only). Condition: Uterine corpus endometrial carcinoma. Review status: no classification provided. Collection method: in vitro. Allele origin: not applicable. Functional consequence: retained intron. Not counted in ClinVar's aggregate classification.

Dr. Peter K. Rogan Lab, Western University
No classification provided (evidence only). Condition: Sarcoma. Review status: no classification provided. Collection method: in vitro. Allele origin: not applicable. Functional consequence: retained intron. Not counted in ClinVar's aggregate classification.

Dr. Peter K. Rogan Lab, Western University
No classification provided (evidence only). Condition: Ovarian serous cystadenocarcinoma. Review status: no classification provided. Collection method: in vitro. Allele origin: not applicable. Functional consequence: retained intron. Not counted in ClinVar's aggregate classification.